The following is an entry in ClinVar:

ClinVar aggregate classification (germline): Uncertain significance (1 of 4 stars; one submission).

Submission:

GeneDx
Classification: Uncertain significance. Last evaluated: 2025-06-04. Review status: criteria provided, single submitter. Criteria: GeneDx Variant Classification Process June 2021. Collection method: clinical testing. Allele origin: germline.
Comment: Not observed at significant frequency in large population cohorts (gnomAD); Missense variants in this gene are a common cause of disease and they are underrepresented in the general population; In silico analysis supports that this missense variant has a deleterious effect on protein structure/function; Has not been previously published as pathogenic or benign to our knowledge; This variant is associated with the following publications: (PMID: 27010057)

NM_178012.5(TUBB2B):c.1112G>T (p.Ser371Ile)

Gene: TUBB2B (tubulin beta 2B class IIb; minus strand). Cytogenetic location: 6p25.2.
Variant type: single nucleotide variant.
Coding change: c.1112G>T on transcript NM_178012.5 (MANE Select); coding-DNA position 1112, G replaced by T.
Protein change: p.Ser371Ile; replaces serine 371 with isoleucine.
Molecular consequence: missense variant.
Genome position (GRCh38, 1-based): chr6:3,224,977, C>A on the plus strand (G>T on the coding strand, the complement: TUBB2B is on the minus strand). VCF-style: chr6-3224977-C-A. GRCh37 (hg19) VCF-style: chr6-3225211-C-A.
Other names: short protein forms S371I.
Identifiers: ClinVar variation 3893572 (VCV003893572.2).